The following is an entry in ClinVar:

ClinVar aggregate classification (germline): Conflicting classifications of pathogenicity. Review status: criteria provided, conflicting classifications (1 of 4 stars). 2 submissions from 2 submitters: Uncertain significance (1); Likely benign (1). Last evaluated 2024-10-28.

Allele frequency attached by ClinVar (database versions not stated): ExAC 0.00001; TOPMed 0.00002; gnomAD 0.00006.
gnomAD v4.1: 59 of 1,613,448 alleles (0.0037%); highest among the groups gnomAD compares: Non-Finnish European, 0.0048%; no homozygotes.

Submissions (2):

Labcorp Genetics (formerly Invitae), Labcorp
Classification: Uncertain significance. Last evaluated: 2024-10-28. Review status: criteria provided, single submitter. Criteria: Invitae Variant Classification Sherloc (09022015). Collection method: clinical testing. Allele origin: germline.
Comment: This sequence change replaces threonine, which is neutral and polar, with threonine, which is neutral and polar, at codon 2306 of the VPS13A protein (Silent). This variant is present in population databases (rs746140393, gnomAD 0.01%). This variant has not been reported in the literature in individuals affected with VPS13A-related conditions. ClinVar contains an entry for this variant (Variation ID: 1971052). Algorithms developed to predict the effect of sequence changes on RNA splicing suggest that this variant is not likely to affect RNA splicing. In summary, the available evidence is currently insufficient to determine the role of this variant in disease. Therefore, it has been classified as a Variant of Uncertain Significance.

Blueprint Genetics
Classification: Likely benign. Last evaluated: 2021-12-21. Review status: criteria provided, single submitter. Criteria: ACMG Guidelines, 2015. Collection method: clinical testing. Allele origin: germline.

NM_033305.3(VPS13A):c.6918T>C (p.Thr2306=)

Gene: VPS13A (vacuolar protein sorting 13 homolog A; plus strand). Cytogenetic location: 9q21.2.
Variant type: single nucleotide variant.
Coding change: c.6918T>C on transcript NM_033305.3 (MANE Select); coding-DNA position 6918, T replaced by C.
Protein change: p.Thr2306=; no amino-acid change (threonine 2306 retained).
Molecular consequence: synonymous variant.
Genome position (GRCh38, 1-based): chr9:77,340,442, T>C. VCF-style: chr9-77340442-T-C. GRCh37 (hg19) VCF-style: chr9-79955358-T-C.
Other names: c.6801T>C, p.Thr2267= (NM_001018037.2); c.6918T>C, p.Thr2306= (NM_001018038.3, NM_015186.4).
Identifiers: ClinVar variation 1971052 (VCV001971052.4), dbSNP rs746140393, ClinGen allele CA5093168.